The following is an entry in ClinVar:

ClinVar aggregate classification (germline): Pathogenic (1 of 4 stars; one submission).

Submission:

Labcorp Genetics (formerly Invitae), Labcorp
Classification: Pathogenic. Last evaluated: 2022-03-08. Review status: criteria provided, single submitter. Criteria: Invitae Variant Classification Sherloc (09022015). Collection method: clinical testing. Allele origin: germline.
Comment: This variant disrupts a region of the ABCC8 protein in which other variant(s) (p.Val21Asp) have been determined to be pathogenic (PMID: 19475716, 20685672, 23345197, 27573238). This suggests that this is a clinically significant region of the protein, and that variants that disrupt it are likely to be disease-causing. This variant has not been reported in the literature in individuals affected with ABCC8-related conditions. This variant is not present in population databases (gnomAD no frequency). This sequence change affects the initiator methionine of the ABCC8 mRNA. The next in-frame methionine is located at codon 80. For these reasons, this variant has been classified as Pathogenic.

Literature cited by the submitters: PubMed 19475716; PubMed 20685672; PubMed 23345197; PubMed 27573238.

NM_000352.6(ABCC8):c.1_5del (p.Met1fs)

Gene: ABCC8 (ATP binding cassette subfamily C member 8; minus strand). Cytogenetic location: 11p15.1.
Variant type: Deletion.
Coding change: c.1_5del on transcript NM_000352.6 (MANE Select); coding-DNA positions 1 to 5, 5 bases deleted (ATGCC; older notation c.1_5delATGCC).
Protein change: p.Met1fs; shifts the reading frame from methionine 1.
Molecular consequence: frameshift variant, initiator codon variant. On other transcripts: non-coding transcript variant (1).
Genome position (GRCh38, 1-based): chr11:17,476,772-17,476,776, GGCAT deleted on the plus strand (ATGCC on the coding strand, the reverse complement: ABCC8 is on the minus strand); deleting any 5 consecutive bases within chr11:17,476,772-17,476,779 gives the same sequence; the c. name uses the placement nearest the transcript's 3' end. VCF-style (leftmost placement, unchanged base first): chr11-17476771-GGGCAT-G. GRCh37 (hg19) VCF-style: chr11-17498318-GGGCAT-G.
Other names: c.1_5del, p.Met1fs (NM_001287174.3, NM_001351295.2, NM_001351296.2 and 1 more transcripts); short protein forms M1fs.
Identifiers: ClinVar variation 2105693 (VCV002105693.5), dbSNP rs2496931386, ClinGen allele CA2580082800.